The following is an entry in ClinVar:

ClinVar aggregate classification (germline): Uncertain significance. Review status: criteria provided, multiple submitters, no conflicts (2 of 4 stars). 3 submissions from 3 submitters: Uncertain significance (3). Last evaluated 2024-11-26.

Conditions:
Inborn genetic diseases. Identifiers: MedGen C0950123, MeSH D030342.

gnomAD v4.1: 14 of 1,612,642 alleles (0.00087%); highest among the groups gnomAD compares: African/African-American, 0.0013%; no homozygotes.

Submissions (3):

Labcorp Genetics (formerly Invitae), Labcorp
Classification: Uncertain significance. Last evaluated: 2024-11-26. Review status: criteria provided, single submitter. Criteria: Invitae Variant Classification Sherloc (09022015). Collection method: clinical testing. Allele origin: germline.
Comment: This sequence change replaces isoleucine, which is neutral and non-polar, with threonine, which is neutral and polar, at codon 385 of the IMPDH1 protein (p.Ile385Thr). This variant is present in population databases (rs777365197, gnomAD 0.002%). This variant has not been reported in the literature in individuals affected with IMPDH1-related conditions. An algorithm developed to predict the effect of missense changes on protein structure and function (PolyPhen-2) suggests that this variant is likely to be disruptive. In summary, the available evidence is currently insufficient to determine the role of this variant in disease. Therefore, it has been classified as a Variant of Uncertain Significance.

Ambry Genetics
Classification: Uncertain significance for Inborn genetic diseases. Last evaluated: 2024-10-11. Review status: criteria provided, single submitter. Criteria: Ambry Variant Classification Scheme 2023. Collection method: clinical testing. Allele origin: germline.

Blueprint Genetics
Classification: Uncertain significance. Last evaluated: 2022-04-13. Review status: criteria provided, single submitter. Criteria: ACMG Guidelines, 2015. Collection method: clinical testing. Allele origin: germline.

NM_000883.4(IMPDH1):c.1154T>C (p.Ile385Thr)

Gene: IMPDH1 (inosine monophosphate dehydrogenase 1; minus strand). Cytogenetic location: 7q32.1.
Variant type: single nucleotide variant.
Coding change: c.1154T>C on transcript NM_000883.4 (MANE Select); coding-DNA position 1154, T replaced by C.
Protein change: p.Ile385Thr; replaces isoleucine 385 with threonine.
Molecular consequence: missense variant.
Genome position (GRCh38, 1-based): chr7:128,396,943, A>G on the plus strand (T>C on the coding strand, the complement: IMPDH1 is on the minus strand). VCF-style: chr7-128396943-A-G. GRCh37 (hg19) VCF-style: chr7-128036997-A-G.
Other names: c.1124T>C, p.Ile375Thr (NM_001102605.2); c.899T>C, p.Ile300Thr (NM_001142573.2); c.884T>C, p.Ile295Thr (NM_001142574.2); c.824T>C, p.Ile275Thr (NM_001142575.2); c.1055T>C, p.Ile352Thr (NM_001142576.2); c.947T>C, p.Ile316Thr (NM_001304521.2); c.1046T>C, p.Ile349Thr (NM_183243.3); short protein forms I295T, I352T, I275T, I300T, I316T, I349T, I385T, I375T.
Identifiers: ClinVar variation 3528979 (VCV003528979.4).